The following is an entry in ClinVar:

ClinVar aggregate classification (germline): Likely pathogenic (1 of 4 stars; one submission).

Submission:

GeneDx
Classification: Likely pathogenic. Last evaluated: 2016-10-27. Review status: criteria provided, single submitter. Criteria: GeneDx Variant Classification (06012015). Collection method: clinical testing. Allele origin: germline. Affected: yes.
Comment: The L182P variant in the SATB2 gene has not been reported previously as a pathogenic variant, nor as a benign variant, to our knowledge. The L182P variant was not observed in approximately 6500 individuals of European and African American ancestry in the NHLBI Exome Sequencing Project, indicating it is not a common benign variant in these populations. The L182P variant is a semi-conservative amino acid substitution, which may impact secondary protein structure as these residues differ in some properties. This substitution occurs at a position that is conserved across species and in silico analysis predicts this variant is probably damaging to the protein structure/function. The L182P variant is a strong candidate for a pathogenic variant

NM_001172509.2(SATB2):c.545T>C (p.Leu182Pro)

Gene: SATB2 (SATB homeobox 2; minus strand). Cytogenetic location: 2q33.1.
Variant type: single nucleotide variant.
Coding change: c.545T>C on transcript NM_001172509.2 (MANE Select); coding-DNA position 545, T replaced by C.
Protein change: p.Leu182Pro; replaces leucine 182 with proline.
Molecular consequence: missense variant.
Genome position (GRCh38, 1-based): chr2:199,380,416, A>G on the plus strand (T>C on the coding strand, the complement: SATB2 is on the minus strand). VCF-style: chr2-199380416-A-G. GRCh37 (hg19) VCF-style: chr2-200245139-A-G.
Other names: c.545T>C, p.Leu182Pro (NM_001172517.1, NM_015265.4); short protein forms L182P.
Identifiers: ClinVar variation 422498 (VCV000422498.2), dbSNP rs1064795817, ClinGen allele CA16617410.